The following is an entry in ClinVar:

NM_016507.4(CDK12):c.686A>C (p.Asp229Ala)

Genes: CDK12 (cyclin dependent kinase 12; plus strand), LOC126862553 (CDK7 strongly-dependent group 2 enhancer GRCh37_chr17:37618166-37619365; plus strand). Cytogenetic location: 17q12.
Variant type: single nucleotide variant.
Coding change: c.686A>C on transcript NM_016507.4 (MANE Select); coding-DNA position 686, A replaced by C.
Protein change: p.Asp229Ala; replaces aspartic acid 229 with alanine.
Molecular consequence: missense variant.
Genome position (GRCh38, 1-based): chr17:39,462,757, A>C. VCF-style: chr17-39462757-A-C. GRCh37 (hg19) VCF-style: chr17-37619010-A-C.
Other names: c.686A>C, p.Asp229Ala (NM_015083.4); short protein forms D229A.
Identifiers: ClinVar variation 4844467 (VCV004844467.1).

ClinVar aggregate classification (germline): Uncertain significance (1 of 4 stars; one submission).

gnomAD v4.1: 3 of 1,614,170 alleles (0.00019%); highest among the groups gnomAD compares: Non-Finnish European, 0.00025%; no homozygotes.

Submission:

Ambry Genetics
Classification: Uncertain significance. Last evaluated: 2026-01-15. Review status: criteria provided, single submitter. Criteria: Ambry Variant Classification Scheme 2023. Collection method: clinical testing. Allele origin: germline.
Comment: The p.D229A variant (also known as c.686A>C), located in coding exon 1 of the CDK12 gene, results from an A to C substitution at nucleotide position 686. The aspartic acid at codon 229 is replaced by alanine, an amino acid with dissimilar properties. This amino acid position is conserved. In addition, this alteration is predicted to be tolerated by in silico analysis. Based on the available evidence, the clinical significance of this variant remains unclear.